The following is an entry in ClinVar:

ClinVar aggregate classification (germline): Uncertain significance (1 of 4 stars; one submission).

gnomAD v4.1: 4 of 1,613,956 alleles (0.00025%); highest among the groups gnomAD compares: South Asian, 0.0011%; no homozygotes.

Submission:

Athena Diagnostics
Classification: Uncertain significance. Last evaluated: 2024-06-20. Review status: criteria provided, single submitter. Criteria: Athena Diagnostics Criteria. Collection method: clinical testing. Allele origin: unknown.
Comment: Available data are insufficient to determine the clinical significance of the variant at this time. The frequency of this variant in the general population is uninformative in assessment of its pathogenicity. Polyphen and MutationTaster predict this amino acid change may be benign.

NM_001278064.2(GRM1):c.3275C>T (p.Pro1092Leu)

Gene: GRM1 (glutamate metabotropic receptor 1; plus strand). Cytogenetic location: 6q24.3.
Variant type: single nucleotide variant.
Coding change: c.3275C>T on transcript NM_001278064.2 (MANE Select); coding-DNA position 3275, C replaced by T.
Protein change: p.Pro1092Leu; replaces proline 1092 with leucine.
Molecular consequence: missense variant. On other transcripts: 3 prime UTR variant (3).
Genome position (GRCh38, 1-based): chr6:146,434,486, C>T. VCF-style: chr6-146434486-C-T. GRCh37 (hg19) VCF-style: chr6-146755622-C-T.
Other names: c.*639C>T (NM_001278065.2); c.*604C>T (NM_001278066.1); c.*513C>T (NM_001278067.1); short protein forms P1092L.
Identifiers: ClinVar variation 3571834 (VCV003571834.1).